The following is an entry in ClinVar:

ClinVar aggregate classification (germline): Uncertain significance (1 of 4 stars; one submission).

Conditions:
Inborn genetic diseases. Identifiers: MedGen C0950123, MeSH D030342.

Submission:

Ambry Genetics
Classification: Uncertain significance for Inborn genetic diseases. Last evaluated: 2023-04-22. Review status: criteria provided, single submitter. Criteria: Ambry Variant Classification Scheme 2023. Collection method: clinical testing. Allele origin: germline.
Comment: The p.C604Y variant (also known as c.1811G>A), located in coding exon 16 of the LRRK2 gene, results from a G to A substitution at nucleotide position 1811. The cysteine at codon 604 is replaced by tyrosine, an amino acid with highly dissimilar properties. This amino acid position is conserved. In addition, this alteration is predicted to be tolerated by in silico analysis. Since supporting evidence is limited at this time, the clinical significance of this alteration remains unclear.

NM_198578.4(LRRK2):c.1811G>A (p.Cys604Tyr)

Gene: LRRK2 (leucine rich repeat kinase 2; plus strand). Cytogenetic location: 12q12.
Variant type: single nucleotide variant.
Coding change: c.1811G>A on transcript NM_198578.4 (MANE Select); coding-DNA position 1811, G replaced by A.
Protein change: p.Cys604Tyr; replaces cysteine 604 with tyrosine.
Molecular consequence: missense variant.
Genome position (GRCh38, 1-based): chr12:40,274,863, G>A. VCF-style: chr12-40274863-G-A. GRCh37 (hg19) VCF-style: chr12-40668665-G-A.
Other names: short protein forms C604Y.
Identifiers: ClinVar variation 2567367 (VCV002567367.2), dbSNP rs2499624807, ClinGen allele CA384403327.